The following is an entry in ClinVar:

NM_014249.4(NR2E3):c.833T>C (p.Leu278Pro)

Gene: NR2E3 (nuclear receptor subfamily 2 group E member 3; plus strand). Cytogenetic location: 15q23.
Variant type: single nucleotide variant.
Coding change: c.833T>C on transcript NM_014249.4 (MANE Select); coding-DNA position 833, T replaced by C.
Protein change: p.Leu278Pro; replaces leucine 278 with proline.
Molecular consequence: missense variant.
Genome position (GRCh38, 1-based): chr15:71,813,474, T>C. VCF-style: chr15-71813474-T-C. GRCh37 (hg19) VCF-style: chr15-72105814-T-C.
Other names: c.833T>C, p.Leu278Pro (NM_016346.4); short protein forms L278P.
Identifiers: ClinVar variation 2993428 (VCV002993428.3), dbSNP rs2543256228, ClinGen allele CA393036706.
Genomic context (GRCh38, chr15:71,813,474, plus strand): 5'-GTGAACTCTTTCTCCTCGGGGCCATCCAGTGGTCTCTGCCTCTGGACAGCTGTCCTCTGC[T>C]GGCACCGCCCGAGGCCTCTGCTGCCGGTGGTGCCCAGGGCCGGCTCACGCTGGCCAGCAT-3'
Protein context (NP_055064.1, residues 268-288): WSLPLDSCPL[Leu278Pro]APPEASAAGG

ClinVar aggregate classification (germline): Uncertain significance (1 of 4 stars; one submission).

Submission:

Labcorp Genetics (formerly Invitae), Labcorp
Classification: Uncertain significance. Last evaluated: 2023-11-27. Review status: criteria provided, single submitter. Criteria: Invitae Variant Classification Sherloc (09022015). Collection method: clinical testing. Allele origin: germline.
Comment: This sequence change replaces leucine, which is neutral and non-polar, with proline, which is neutral and non-polar, at codon 278 of the NR2E3 protein (p.Leu278Pro). This variant is not present in population databases (gnomAD no frequency). This variant has not been reported in the literature in individuals affected with NR2E3-related conditions. Advanced modeling of protein sequence and biophysical properties (such as structural, functional, and spatial information, amino acid conservation, physicochemical variation, residue mobility, and thermodynamic stability) performed at Invitae indicates that this missense variant is not expected to disrupt NR2E3 protein function with a negative predictive value of 80%. In summary, the available evidence is currently insufficient to determine the role of this variant in disease. Therefore, it has been classified as a Variant of Uncertain Significance.